The following is an entry in ClinVar:

NM_001853.4(COL9A3):c.148-2del

Gene: COL9A3 (collagen type IX alpha 3 chain; plus strand). Cytogenetic location: 20q13.33.
Variant type: Deletion.
Coding change: c.148-2del on transcript NM_001853.4 (MANE Select); the canonical splice acceptor site of the intron before coding-DNA position 148, one base deleted (A; older notation c.148-2delA).
Molecular consequence: splice acceptor variant.
Genome position (GRCh38, 1-based): chr20:62,818,516, A deleted. VCF-style (leftmost placement, unchanged base first): chr20-62818515-CA-C. GRCh37 (hg19) VCF-style: chr20-61449867-CA-C.
Identifiers: ClinVar variation 4733349 (VCV004733349.1).
Genomic context (GRCh38, chr20:62,818,515, plus strand): 5'-CGAGGCGGGGTTCTTGAGGGACCCCTGATTTTCAGGGTTACATGTGGGTGTCTTTCCTCA[CA>C]GGGAGAAGCTGGTCCTCCAGGTCTGCCTGGGCCCCCGGTGAGTGTCCCTGGCTGGGGAGA-3'

ClinVar aggregate classification (germline): Uncertain significance (1 of 4 stars; one submission).

Submission:

Labcorp Genetics (formerly Invitae), Labcorp
Classification: Uncertain significance. Last evaluated: 2025-12-16. Review status: criteria provided, single submitter. Criteria: Invitae Variant Classification Sherloc (09022015). Collection method: clinical testing. Allele origin: germline.
Comment: This sequence change affects a splice site in intron 2 of the COL9A3 gene. Variants that disrupt the donor or acceptor splice site typically lead to a loss of protein function (PMID:16199547), however it is unknown whether splice variants in this region will result in a loss of function. This variant is not present in population databases (gnomAD no frequency). Disruption of this splice site has been observed in individual(s) with multiple epiphyseal dysplasia (internal data). Algorithms developed to predict the effect of sequence changes on RNA splicing suggest that this variant may disrupt the consensus splice site. In summary, the available evidence is currently insufficient to determine the role of this variant in disease. Therefore, it has been classified as a Variant of Uncertain Significance.

Literature cited by the submitters: PubMed 16199547.